The following is an entry in ClinVar:

NM_176824.3(BBS7):c.502C>T (p.Gln168Ter)

Gene: BBS7 (Bardet-Biedl syndrome 7; minus strand). Cytogenetic location: 4q27.
Variant type: single nucleotide variant.
Coding change: c.502C>T on transcript NM_176824.3 (MANE Select); coding-DNA position 502, C replaced by T.
Protein change: p.Gln168Ter; replaces glutamine 168 with a stop codon.
Molecular consequence: nonsense.
Genome position (GRCh38, 1-based): chr4:121,859,018, G>A on the plus strand (C>T on the coding strand, the complement: BBS7 is on the minus strand). VCF-style: chr4-121859018-G-A. GRCh37 (hg19) VCF-style: chr4-122780173-G-A.
Other names: c.502C>T, p.Gln168Ter (NM_018190.4); short protein forms Q168*.
Identifiers: ClinVar variation 2717354 (VCV002717354.4), dbSNP rs1385873554, ClinGen allele CA358042802.

ClinVar aggregate classification (germline): Pathogenic (1 of 4 stars; one submission).

Conditions:
Bardet-Biedl syndrome (BBS). Identifiers: Orphanet 110, MedGen C0752166, MONDO:0015229.

Allele frequency attached by ClinVar (database versions not stated): gnomAD exomes below 0.00001.
gnomAD v4.1: 2 of 1,613,772 alleles (0.00012%); highest among the groups gnomAD compares: Non-Finnish European, 0.00017%; no homozygotes.

Submission:

Labcorp Genetics (formerly Invitae), Labcorp
Classification: Pathogenic for Bardet-Biedl syndrome. Last evaluated: 2023-06-16. Review status: criteria provided, single submitter. Criteria: Invitae Variant Classification Sherloc (09022015). Collection method: clinical testing. Allele origin: germline.
Comment: For these reasons, this variant has been classified as Pathogenic. Algorithms developed to predict the effect of sequence changes on RNA splicing suggest that this variant may disrupt the consensus splice site. This variant has not been reported in the literature in individuals affected with BBS7-related conditions. This variant is present in population databases (no rsID available, gnomAD 0.0009%). This sequence change creates a premature translational stop signal (p.Gln168*) in the BBS7 gene. It is expected to result in an absent or disrupted protein product. Loss-of-function variants in BBS7 are known to be pathogenic (PMID: 12567324, 19402160, 21209035, 31196119).

Literature cited by the submitters: PubMed 12567324; PubMed 19402160; PubMed 21209035; PubMed 31196119.